The following is an entry in ClinVar:

ClinVar aggregate classification (germline): Uncertain significance (1 of 4 stars; one submission).

Conditions:
Nephronophthisis. Also called: Juvenile Nephronophthisis. Identifiers: Orphanet 655, MedGen C0687120, MONDO:0019005, HP:0000090.

Submission:

Labcorp Genetics (formerly Invitae), Labcorp
Classification: Uncertain significance for Nephronophthisis. Last evaluated: 2022-04-16. Review status: criteria provided, single submitter. Criteria: Invitae Variant Classification Sherloc (09022015). Collection method: clinical testing. Allele origin: germline.
Comment: In summary, the available evidence is currently insufficient to determine the role of this variant in disease. Therefore, it has been classified as a Variant of Uncertain Significance. This sequence change creates a premature translational stop signal (p.Gln720Profs*4) in the NPHP1 gene. While this is not anticipated to result in nonsense mediated decay, it is expected to disrupt the last 14 amino acid(s) of the NPHP1 protein. This variant is not present in population databases (gnomAD no frequency). This variant has not been reported in the literature in individuals affected with NPHP1-related conditions. Experimental studies and prediction algorithms are not available or were not evaluated, and the functional significance of this variant is currently unknown.

NM_001128178.3(NPHP1):c.1990dup (p.Gln664fs)

Gene: NPHP1 (nephrocystin 1; minus strand). Cytogenetic location: 2q13.
Variant type: Duplication.
Coding change: c.1990dup on transcript NM_001128178.3 (MANE Select); coding-DNA position 1990, one base duplicated (C; older notation c.1990dupC).
Protein change: p.Gln664fs; shifts the reading frame from glutamine 664.
Molecular consequence: frameshift variant. On other transcripts: 3 prime UTR variant (1).
Genome position (GRCh38, 1-based): chr2:110,123,835, G duplicated on the plus strand (C on the coding strand, the reverse complement: NPHP1 is on the minus strand). VCF-style (leftmost placement, unchanged base first): chr2-110123834-T-TG. GRCh37 (hg19) VCF-style: chr2-110881411-T-TG.
Other names: c.2158dup, p.Gln720fs (NM_000272.5); c.1801dup, p.Gln601fs (NM_001128179.3); c.1987dup, p.Gln663fs (NM_001374256.1); c.*232dup (NM_001374257.1); c.2155dup, p.Gln719fs (NM_207181.4); short protein forms Q663fs, Q664fs, Q720fs, Q601fs, Q719fs.
Identifiers: ClinVar variation 2126960 (VCV002126960.4), dbSNP rs2467116937, ClinGen allele CA2580063725.
Genomic context (GRCh38, chr2:110,123,834, plus strand): 5'-GCTAGAGGCTGCCACTGTCACACTGCATTCTTTCTCATTTCACCCAAGAAGTCATAGGTC[T>TG]GCTCTGAAAGGTCAAAAGGTTCATGAACTCCGTCTGGTGACAGCAGAGCTTGGAGGGCGC-3'